The following continues an entry in ClinVar:

NM_000051.4(ATM):c.5821G>C (p.Val1941Leu)

ClinVar aggregate classification (germline): Likely benign. Likely benign (1).

Submissions 13 to 24 of 29:

Blueprint Genetics
Classification: Likely benign. Last evaluated: 2024-11-14. Review status: criteria provided, single submitter. Criteria: ACMG Guidelines, 2015. Collection method: clinical testing. Allele origin: germline. Not counted in ClinVar's aggregate classification.

Women's Health and Genetics/Laboratory Corporation of America, LabCorp
Classification: Likely benign. Last evaluated: 2024-07-31. Review status: criteria provided, single submitter. Criteria: LabCorp Variant Classification Summary - May 2015. Collection method: clinical testing. Allele origin: germline. Not counted in ClinVar's aggregate classification.
Comment: Variant summary: ATM c.5821G>C (p.Val1941Leu) results in a conservative amino acid change located in the PIK-related kinase domain of the encoded protein sequence. Four of five in-silico tools predict a benign effect of the variant on protein function. The variant allele was found at a frequency of 0.00013 in 251056 control chromosomes, predominantly at a frequency of 0.00026 within the Non-Finnish European subpopulation in the gnomAD database. This frequency is not significantly higher than estimated for a pathogenic variant in ATM causing breast/ATM-related cancer and/or Ataxia Telangiectasia. However, the variant was also reported in 10 / 9884 women (i.e. with a frequency of about 0.001), who were older than 70 years of age, and never had cancer (FLOSSIES database), which might suggest a benign outcome for the variant. c.5821G>C has been reported in the literature in individuals affected with breast cancer (e.g. Shayeghi_1998, Renwick_2006, Maxwell_2015, Pereira_2022), other tumor phenotypes such as chronic lymphocytic leukemia (CLL), Lynch syndrome-associated cancer and/or polyps, pediatric low grade glioma (e.g. Skowronska_2011, Yurgelun_2015, Zhang_2015, Tung_2015) and also in several healthy controls (e.g. Tavtigian_2009, Skowronska_2011, Tiao_2017, Yu_2022). Recent case-control studies showed that the frequencies of this variant are similar in cases (breast cancer, prostate cancer, or pancreatic cancer) and controls, indicating this variant does not associate with breast, prostate, or pancreatic cancer (Dorling_2021, Karlsson_2021, Yu_2022). Using an ATM-null lymphoblastoid cell line (LCL) transfected with the variant of interest, Barone et al demonstrated an approximately 50% decrease in protein expression (or stability), yet no significant decrease in specific kinase activity (Barone_2009). The following publications have been ascertained in the context of this evaluation (PMID: 19431188, 33471991, 33436325, 25503501, 35980532, 16832357, 9764584, 21933854, 19781682, 28652578, 25186627, 29909963, 35047863, 25980754, 26580448). ClinVar contains an entry for this variant (Variation ID: 127412). Based on the evidence outlined above, the variant was classified as likely benign.

CeGaT Center for Human Genetics Tuebingen
Classification: Uncertain significance. Last evaluated: 2024-07-01. Review status: criteria provided, single submitter. Criteria: CeGaT Center For Human Genetics Tuebingen Variant Classification Criteria Version 2. Collection method: clinical testing. Allele origin: germline. Affected: yes. Observed: 2 variant alleles. Not counted in ClinVar's aggregate classification.
Comment: ATM: PS3:Supporting

Myriad Genetics, Inc.
Classification: Likely benign for Familial cancer of breast. Last evaluated: 2024-05-24. Review status: criteria provided, single submitter. Criteria: Myriad Autosomal Dominant, Autosomal Recessive and X-Linked Classification Criteria (2023). Collection method: clinical testing. Allele origin: unknown. Not counted in ClinVar's aggregate classification.
Comment: This variant is considered likely benign. This variant is strongly associated with less severe personal and family histories of cancer, typical for individuals without pathogenic variants in this gene [PMID: 25085752].

Baylor Genetics
Classification: Uncertain significance for Familial cancer of breast. Last evaluated: 2024-03-29. Review status: criteria provided, single submitter. Criteria: ACMG Guidelines, 2015. Collection method: clinical testing. Allele origin: unknown. Study: CSER-TexasKidsCanSeq. Not counted in ClinVar's aggregate classification.

ARUP Laboratories, Molecular Genetics and Genomics, ARUP Laboratories
Classification: Uncertain significance. Last evaluated: 2024-03-11. Review status: criteria provided, single submitter. Criteria: ARUP Molecular Germline Variant Investigation Process 2024. Collection method: clinical testing. Allele origin: germline. Not counted in ClinVar's aggregate classification.
Comment: The ATM c.5821G>C; p.Val1941Leu variant (rs147187700) has been reported in the literature in individuals affected with cancer (Bhai 2021, Dalmasso 2021, de Oliveira 2022, Maxwell 2015, Renwick 2006, Skowronska 2012, Tavtigian 2009, Tung 2015, Zhang 2015) as well as healthy control populations (Skowronska 2012, Tavtigian 2009, Tiao 2017). This variant is also reported in ClinVar (Variation ID: 127412), and is found in the non-Finnish European population with an allele frequency of 0.025% (32/128930 alleles) in the Genome Aggregation Database (v2.1.1). Computational analyses are uncertain whether this variant is neutral or deleterious (REVEL: 0.548). Functional analyses of the variant protein show some reduction in kinase activity (Barone 2009). However, taken together, the clinical significance of this variant is uncertain.Barone G et al. Modeling ATM mutant proteins from missense changes confirms retained kinase activity. Hum Mutat. 2009 Aug;30(8):1222-30. PMID: 19431188. Bhai P et al. Analysis of Sequence and Copy Number Variants in Canadian Patient Cohort With Familial Cancer Syndromes Using a Unique Next Generation Sequencing Based Approach. Front Genet. 2021 Jul 13;12:698595. PMID: 34326862. Dalmasso B et al. Germline ATM variants predispose to melanoma: a joint analysis across the GenoMEL and MelaNostrum consortia. Genet Med. 2021 Nov;23(11):2087-2095. PMID: 34262154. de Oliveira JM et al. The genetics of hereditary cancer risk syndromes in Brazil: a comprehensive analysis of 1682 patients. Eur J Hum Genet. 2022 Jul;30(7):818-823. PMID: 35534704. Maxwell KN et al. Prevalence of mutations in a panel of breast cancer susceptibility genes in BRCA1/2-negative patients with early-onset breast cancer. Genet Med. 2015 Aug;17(8):630-8. PMID: 25503501. Renwick A et al. ATM mutations that cause ataxia-telangiectasia are breast cancer susceptibility alleles. Nat Genet. 2006 Aug;38(8):873-5. PMID: 16832357. Skowronska A et al. ATM germline heterozygosity does not play a role in chronic lymphocytic leukemia initiation but influences rapid disease progression through loss of the remaining ATM allele. Haematologica. 2012 Jan;97(1):142-6. PMID: 21933854. Tavtigian SV et al. Rare, evolutionarily unlikely missense substitutions in ATM confer increased risk of breast cancer. Am J Hum Genet. 2009 Oct;85(4):427-46. PMID: 19781682. Tiao G et al. Rare germline variants in ATM are associated with chronic lymphocytic leukemia. Leukemia. 2017 Oct;31(10):2244-2247. PMID: 28652578. Tung N et al. Frequency of mutations in individuals with breast cancer referred for BRCA1 and BRCA2 testing using next-generation sequencing with a 25-gene panel. Cancer. 2015 Jan 1;121(1):25-33. PMID: 25186627. Zhang J et al. Germline Mutations in Predisposition Genes in Pediatric Cancer. N Engl J Med. 2015 Dec 10;373(24):2336-2346. PMID: 26580448.

Department of Pathology and Laboratory Medicine, Sinai Health System
Classification: Uncertain significance for Familial cancer of breast. Last evaluated: 2024-02-13. Review status: criteria provided, single submitter. Criteria: ACMG Guidelines, 2015. Collection method: clinical testing. Allele origin: germline. Affected: yes. Not counted in ClinVar's aggregate classification.

CHEO Genetics Diagnostic Laboratory, Children's Hospital of Eastern Ontario
Classification: Uncertain significance for Breast and/or ovarian cancer. Last evaluated: 2022-10-20. Review status: criteria provided, single submitter. Criteria: ACMG Guidelines, 2015. Collection method: clinical testing. Allele origin: germline. Not counted in ClinVar's aggregate classification.

Sema4
Classification: Uncertain significance for Hereditary cancer-predisposing syndrome. Last evaluated: 2021-12-07. Review status: criteria provided, single submitter. Criteria: Sema4 Curation Guidelines. Collection method: curation. Allele origin: germline. Not counted in ClinVar's aggregate classification.
Comment: The ATM c.5821G>C (p.V1941L) variant has been reported in individuals with breast cancer, chronic lymphocytic leukemia, Lynch syndrome associated cancer and/or colorectal polyps, low grade glioma and pancreatic neuroendocrine tumor (PMID: 9764584, 16832357, 19431188, 19781682, 21933854, 25186627, 25503501, 25980754, 26580448, 29909963,DOI 10.34115/basrv4n5-029). It was also reported in unaffected individuals and in two breast cancer case-control studies the variant was observed at a similar or lower frequency in cases compared to controls (PMID: 21933854, 28779002, 19781682). Additionally, this variant is also reported in 19 women with breast cancer in a large dataset of 60,466 women with breast cancer, and 18/53,461 controls (PMID 33471991). This variant was observed in 32/128930 chromosomes in the Non-Finnish European population, with no homozygotes, according to the Genome Aggregation Database (PMID: 32461654). The variant has been reported in ClinVar (Variation ID 127412). A functional study demonstrated reduced kinase function of the protein (PMID: 19431188). In silico predictions of the variant's effect on protein function are inconclusive. The evidence is insufficient to meet ACMG/AMP criteria for classifying the variant as benign or pathogenic. Thus, the clinical significance of this variant is currently uncertain.

Color Diagnostics, LLC DBA Color Health
Classification: Likely benign for Hereditary cancer-predisposing syndrome. Last evaluated: 2021-08-19. Review status: criteria provided, single submitter. Criteria: ACMG Guidelines, 2015. Collection method: clinical testing. Allele origin: germline. Not counted in ClinVar's aggregate classification.

Athena Diagnostics
Classification: Uncertain significance. Last evaluated: 2018-03-21. Review status: criteria provided, single submitter. Criteria: Athena Diagnostics Criteria. Collection method: clinical testing. Allele origin: germline. Not counted in ClinVar's aggregate classification.

Illumina Laboratory Services, Illumina
Classification: Uncertain significance for Ataxia-telangiectasia syndrome. Last evaluated: 2017-08-16. Review status: criteria provided, single submitter. Criteria: ICSL Variant Classification Criteria 13 December 2019. Collection method: clinical testing. Allele origin: germline. Not counted in ClinVar's aggregate classification.
Comment: This variant was observed as part of a predisposition screen in an ostensibly healthy population. A literature search was performed for the gene, cDNA change, and amino acid change (where applicable). Publications were found based on this search. However, the evidence from the literature, in combination with allele frequency data from public databases where available, was not sufficient to rule this variant in or out of causing disease. Therefore, this variant is classified as a variant of unknown significance.